The following is an entry in ClinVar:

NM_001365536.1(SCN9A):c.2724G>C (p.Trp908Cys)

Genes: SCN1A-AS1 (SCN1A and SCN9A antisense RNA 1; plus strand), SCN9A (sodium voltage-gated channel alpha subunit 9; minus strand). Cytogenetic location: 2q24.3.
Variant type: single nucleotide variant.
Coding change: c.2724G>C on transcript NM_001365536.1 (MANE Select); coding-DNA position 2724, G replaced by C.
Protein change: p.Trp908Cys; replaces tryptophan 908 with cysteine.
Molecular consequence: missense variant. On other transcripts: non-coding transcript variant (1).
Genome position (GRCh38, 1-based): chr2:166,277,133, C>G on the plus strand (G>C on the coding strand, the complement: SCN9A is on the minus strand). VCF-style: chr2-166277133-C-G. GRCh37 (hg19) VCF-style: chr2-167133643-C-G.
Other names: c.2691G>C, p.Trp897Cys (NM_002977.4); short protein forms W908C, W897C.
Identifiers: ClinVar variation 4783395 (VCV004783395.1).

ClinVar aggregate classification (germline): Uncertain significance (1 of 4 stars; one submission).

Conditions:
Neuropathy, hereditary sensory and autonomic, type 2A (HSAN2A). Also called: ACROOSTEOLYSIS, GIACCAI TYPE; ACROOSTEOLYSIS, NEUROGENIC; WNK1-Related HSAN2 (HSAN2A); NEUROPATHY, HEREDITARY SENSORY RADICULAR, AUTOSOMAL RECESSIVE; MORVAN DISEASE; NEUROPATHY, CONGENITAL SENSORY. Identifiers: Orphanet 970, MedGen C2752089, MONDO:0024309, OMIM 201300.
Generalized epilepsy with febrile seizures plus, type 7 (GEFSP7). Also called: GEFS+, TYPE 7. Identifiers: Orphanet 36387, MedGen C2751778, MONDO:0013470, OMIM 613863.

Submission:

Labcorp Genetics (formerly Invitae), Labcorp
Classification: Uncertain significance for Neuropathy, hereditary sensory and autonomic, type 2A; Generalized epilepsy with febrile seizures plus, type 7. Last evaluated: 2025-12-02. Review status: criteria provided, single submitter. Criteria: Invitae Variant Classification Sherloc (09022015). Collection method: clinical testing. Allele origin: germline.
Comment: This sequence change replaces tryptophan, which is neutral and slightly polar, with cysteine, which is neutral and slightly polar, at codon 897 of the SCN9A protein (p.Trp897Cys). This variant is not present in population databases (gnomAD no frequency). This variant has not been reported in the literature in individuals affected with SCN9A-related conditions. Invitae Evidence Modeling of protein sequence and biophysical properties (such as structural, functional, and spatial information, amino acid conservation, physicochemical variation, residue mobility, and thermodynamic stability) has been performed for this missense variant. However, the output from this modeling did not meet the statistical confidence thresholds required to predict the impact of this variant on SCN9A protein function. In summary, the available evidence is currently insufficient to determine the role of this variant in disease. Therefore, it has been classified as a Variant of Uncertain Significance.